The following is an entry in ClinVar:

ClinVar aggregate classification (germline): Likely benign. Review status: criteria provided, multiple submitters, no conflicts (2 of 4 stars). 7 submissions from 7 submitters: Likely benign (3). 4 of the submissions do not count toward it. Last evaluated 2026-02-04.

Conditions:
PKD1-related disorder. Also called: PKD1-related condition.
Polycystic kidney disease. Also called: Polycystic kidney dysplasia; Kidney, Polycystic. Identifiers: MedGen C0022680, MeSH D007690, MONDO:0020642, HP:0000113.

Allele frequency attached by ClinVar (database versions not stated): gnomAD exomes 0.00011 and 0.00038; ExAC 0.00054; gnomAD 0.00116 and 0.00123; TOPMed 0.00124; 1000 Genomes Project 30x 0.00156; 1000 Genomes Project 0.00160; ESP Exome Variant Server 0.00169.
gnomAD v4.1: 346 of 1,612,904 alleles (0.021%); highest among the groups gnomAD compares: African/African-American, 0.41%; no homozygotes.

Submissions (7):

Women's Health and Genetics/Laboratory Corporation of America, LabCorp
Classification: Likely benign. Last evaluated: 2026-02-04. Review status: criteria provided, single submitter. Criteria: LabCorp Variant Classification Summary - May 2015. Collection method: clinical testing. Allele origin: germline.
Comment: Variant summary: PKD1 c.10400C>T (p.Ala3467Val) results in a non-conservative amino acid change in the encoded protein sequence. Algorithms developed to predict the effect of missense changes on protein structure and function are either unavailable or do not agree on the potential impact of this missense change. The variant allele was found at a frequency of 0.00038 in 247952 control chromosomes, predominantly at a frequency of 0.0054 within the African or African-American subpopulation in the gnomAD database. The observed variant frequency within African or African-American control individuals in the gnomAD database exceeds the estimated maximal expected allele frequency for disease-causing variants in PKD1. In at least 1 database, this variant was observed phase unknown with a nonsense variant in 1 individual with ADPKD (example, PKD Foundation database/Athena Diagnostics), however the details could not be independently verified. To our knowledge, no occurrence of c.10400C>T in individuals affected with PKD1-related conditions and no experimental evidence demonstrating its impact on protein function have been reported in the publicly available literature. ClinVar contains an entry for this variant (Variation ID: 997257). Based on the evidence outlined above, the variant was classified as likely benign.

Mayo Clinic Laboratories, Mayo Clinic
Classification: Likely benign. Last evaluated: 2025-04-18. Review status: criteria provided, single submitter. Criteria: ACMG Guidelines, 2015. Collection method: clinical testing. Allele origin: germline. Observed: 2 variant alleles.
Comment: BS1, BP4_moderate

Breakthrough Genomics
Classification: Likely benign. Review status: criteria provided, single submitter. Criteria: ACMG Guidelines, 2015. Collection method: not provided. Allele origin: germline. Inheritance: Autosomal dominant inheritance. Affected: yes.

PreventionGenetics, part of Exact Sciences
Classification: Benign for PKD1-related condition. Last evaluated: 2019-04-14. Review status: no assertion criteria provided. Collection method: clinical testing. Allele origin: germline. Not counted in ClinVar's aggregate classification.
Comment: This variant is classified as benign based on ACMG/AMP sequence variant interpretation guidelines (Richards et al. 2015 PMID: 25741868, with internal and published modifications).

Clinical Genetics DNA and cytogenetics Diagnostics Lab, Erasmus MC, Erasmus Medical Center
Classification: Likely benign. Review status: no assertion criteria provided. Collection method: clinical testing. Allele origin: germline. Affected: yes. Study: VKGL Data-share Consensus. Not counted in ClinVar's aggregate classification.

Department of Pathology and Laboratory Medicine, Sinai Health System
Classification: Likely benign for Polycystic Kidney disease. Review status: no assertion criteria provided. Collection method: clinical testing. Allele origin: unknown. Affected: yes. Observed: 2 variant alleles. Study: The Canadian Open Genetics Repository (COGR). Not counted in ClinVar's aggregate classification.
Comment: The PKD1 p.Ala3467Val variant was not identified in the literature nor was it identified in the ClinVar, COGR, LOVD 3.0, or PKD1-LOVD databases. The variant was identified in dbSNP (ID: rs144590217) as â€šÃ„ÃºNAâ€šÃ„Ã¹, and ADPKD Mutation Database (as likely neutral). The variant was identified in control databases in 126 of 274616 chromosomes at a frequency of 0.000459 increasing the likelihood this could be a low frequency benign variant (Genome Aggregation Database Feb 27, 2017). Observation by population include African in 119 of 23866 chromosomes (freq: 0.004986), â€šÃ„ÃºOtherâ€šÃ„Ã¹ in 1 of 6428 chromosomes (freq: 0.000156), Latino in 4 of 34370 chromosomes (freq: 0.000116), European (Non-Finnish) in 2 of 124912 chromosomes (freq: 0.000016); it was not observed in the Ashkenazi Jewish, East Asian, European (Finnish) and South Asian populations. The variant was identified with a co-occurring pathogenic PKD1 variant (p.His1347GlnfsX83), increasing the likelihood that the p.Ala401Val variant does not have clinical significance. The p.Ala3467Val residue is not conserved in mammals and four out of five computational analyses (PolyPhen-2, SIFT, AlignGVGD, BLOSUM, MutationTaster) do not suggest a high likelihood of impact to the protein; however, this information is not predictive enough to rule out pathogenicity. The variant occurs outside of the splicing consensus sequence and 1 of 5 in silico or computational prediction software programs (SpliceSiteFinder, MaxEntScan, NNSPLICE, GeneSplicer, HumanSpliceFinder) predict a greater than 10% difference in splicing; this is not very predictive of pathogenicity. In summary, based on the above information the clinical significance of this variant cannot be determined with certainty at this time although we would lean towards a more benign role for this variant. This variant is classified as likely benign.

Genome Diagnostics Laboratory, University Medical Center Utrecht
Classification: Benign. Review status: no assertion criteria provided. Collection method: clinical testing. Allele origin: germline. Affected: yes. Study: VKGL Data-share Consensus. Not counted in ClinVar's aggregate classification.

NM_001009944.3(PKD1):c.10400C>T (p.Ala3467Val)

Gene: PKD1 (polycystin 1, transient receptor potential channel interacting; minus strand). Cytogenetic location: 16p13.3.
Variant type: single nucleotide variant.
Coding change: c.10400C>T on transcript NM_001009944.3 (MANE Select); coding-DNA position 10400, C replaced by T.
Protein change: p.Ala3467Val; replaces alanine 3467 with valine.
Molecular consequence: missense variant.
Genome position (GRCh38, 1-based): chr16:2,097,324, G>A on the plus strand (C>T on the coding strand, the complement: PKD1 is on the minus strand). VCF-style: chr16-2097324-G-A. GRCh37 (hg19) VCF-style: chr16-2147325-G-A.
Other names: p.Ala3467Val; c.10397C>T, p.Ala3466Val (NM_000296.4); c.10400C>T (NM_001009944.2); short protein forms A3466V, A3467V.
Identifiers: ClinVar variation 997257 (VCV000997257.7), dbSNP rs144590217, ClinGen allele CA7829624.